The following is an entry in ClinVar:

NM_000969.5(RPL5):c.878G>A (p.Arg293Gln)

Genes: DIPK1A (divergent protein kinase domain 1A; minus strand), RPL5 (ribosomal protein L5; plus strand). Cytogenetic location: 1p22.1.
Variant type: single nucleotide variant.
Coding change: c.878G>A on transcript NM_000969.5 (MANE Select); coding-DNA position 878, G replaced by A.
Protein change: p.Arg293Gln; replaces arginine 293 with glutamine.
Molecular consequence: missense variant. On other transcripts: non-coding transcript variant (1), intron variant (1).
Genome position (GRCh38, 1-based): chr1:92,841,849, G>A. VCF-style: chr1-92841849-G-A. GRCh37 (hg19) VCF-style: chr1-93307406-G-A.
Other names: c.474+5334C>T (NM_001252273.2); c.878G>A (NM_000969.3); short protein forms R293Q.
Identifiers: ClinVar variation 3588132 (VCV003588132.4).

ClinVar aggregate classification (germline): Uncertain significance. Review status: criteria provided, multiple submitters, no conflicts (2 of 4 stars). 3 submissions from 3 submitters: Uncertain significance (3). Last evaluated 2024-11-13.

Conditions:
Diamond-Blackfan anemia 6 (DBA6). Also called: RPL5-Related Diamond-Blackfan Anemia. Identifiers: Orphanet 124, MedGen C2931850, MONDO:0012937, OMIM 612561.
Diamond-Blackfan anemia. Also called: Blackfan Diamond syndrome; Aregenerative anemia chronic congenital; Red cell aplasia, pure hereditary; Congenital hypoplastic anemia; Aase syndrome. Identifiers: Orphanet 124, MedGen C1260899, MeSH D029503, MONDO:0015253, HP:0004810.

gnomAD v4.1: 8 of 1,611,194 alleles (0.0005%); highest among the groups gnomAD compares: South Asian, 0.0022%; no homozygotes.

Submissions (3):

Labcorp Genetics (formerly Invitae), Labcorp
Classification: Uncertain significance for Diamond-Blackfan anemia. Last evaluated: 2024-11-13. Review status: criteria provided, single submitter. Criteria: Invitae Variant Classification Sherloc (09022015). Collection method: clinical testing. Allele origin: germline.
Comment: This sequence change replaces arginine, which is basic and polar, with glutamine, which is neutral and polar, at codon 293 of the RPL5 protein (p.Arg293Gln). This variant is not present in population databases (gnomAD no frequency). This variant has not been reported in the literature in individuals affected with RPL5-related conditions. An algorithm developed to predict the effect of missense changes on protein structure and function (PolyPhen-2) suggests that this variant is likely to be tolerated. In summary, the available evidence is currently insufficient to determine the role of this variant in disease. Therefore, it has been classified as a Variant of Uncertain Significance.

GeneDx
Classification: Uncertain significance. Last evaluated: 2024-09-25. Review status: criteria provided, single submitter. Criteria: GeneDx Variant Classification Process June 2021. Collection method: clinical testing. Allele origin: germline. Affected: yes.
Comment: Not observed at significant frequency in large population cohorts (gnomAD); In silico analysis indicates that this missense variant does not alter protein structure/function; Has not been previously published as pathogenic or benign to our knowledge

Fulgent Genetics
Classification: Uncertain significance for Diamond-Blackfan anemia 6. Last evaluated: 2024-03-14. Review status: criteria provided, single submitter. Criteria: ACMG Guidelines, 2015. Collection method: clinical testing. Allele origin: germline.